The following is an entry in ClinVar:

NM_018341.3(ERMARD):c.1513A>G (p.Thr505Ala)

Gene: ERMARD (ER membrane associated RNA degradation; plus strand). Cytogenetic location: 6q27.
Variant type: single nucleotide variant.
Coding change: c.1513A>G on transcript NM_018341.3 (MANE Select); coding-DNA position 1513, A replaced by G.
Protein change: p.Thr505Ala; replaces threonine 505 with alanine.
Molecular consequence: missense variant.
Genome position (GRCh38, 1-based): chr6:169,776,058, A>G. VCF-style: chr6-169776058-A-G. GRCh37 (hg19) VCF-style: chr6-170176154-A-G.
Other names: c.1513A>G, p.Thr505Ala (NM_001278531.2, NM_001278533.2); c.1135A>G, p.Thr379Ala (NM_001278532.2); short protein forms T505A, T379A.
Identifiers: ClinVar variation 384312 (VCV000384312.6), dbSNP rs113995515, ClinGen allele CA4106293.

ClinVar aggregate classification (germline): Likely benign. Review status: criteria provided, multiple submitters, no conflicts (2 of 4 stars). 3 submissions from 3 submitters: Likely benign (2). 1 of the submissions does not count toward it. Last evaluated 2025-11-12.

Conditions:
ERMARD-related disorder. Also called: ERMARD-related condition.

Allele frequency attached by ClinVar (database versions not stated): gnomAD exomes 0.00013 and 0.00030; ExAC 0.00043; ESP Exome Variant Server 0.00131; gnomAD 0.00150 and 0.00158; TOPMed 0.00157; 1000 Genomes Project 0.00160; 1000 Genomes Project 30x 0.00234.
gnomAD v4.1: 424 of 1,613,572 alleles (0.026%); highest among the groups gnomAD compares: African/African-American, 0.52%; 2 homozygotes.

Submissions (3):

Labcorp Genetics (formerly Invitae), Labcorp
Classification: Likely benign. Last evaluated: 2025-11-12. Review status: criteria provided, single submitter. Criteria: Invitae Variant Classification Sherloc (09022015). Collection method: clinical testing. Allele origin: germline.

GeneDx
Classification: Likely benign. Last evaluated: 2016-03-11. Review status: criteria provided, single submitter. Criteria: GeneDx Variant Classification (06012015). Collection method: clinical testing. Allele origin: germline. Affected: yes.
Comment: This variant is considered likely benign or benign based on one or more of the following criteria: it is a conservative change, it occurs at a poorly conserved position in the protein, it is predicted to be benign by multiple in silico algorithms, and/or has population frequency not consistent with disease.

PreventionGenetics, part of Exact Sciences
Classification: Benign for ERMARD-related condition. Last evaluated: 2019-08-20. Review status: no assertion criteria provided. Collection method: clinical testing. Allele origin: germline. Not counted in ClinVar's aggregate classification.
Comment: This variant is classified as benign based on ACMG/AMP sequence variant interpretation guidelines (Richards et al. 2015 PMID: 25741868, with internal and published modifications).